The following is an entry in ClinVar:

NM_002968.3(SALL1):c.1327G>A (p.Asp443Asn)

Gene: SALL1 (spalt like transcription factor 1; minus strand). Cytogenetic location: 16q12.1.
Variant type: single nucleotide variant.
Coding change: c.1327G>A on transcript NM_002968.3 (MANE Select); coding-DNA position 1327, G replaced by A.
Protein change: p.Asp443Asn; replaces aspartic acid 443 with asparagine.
Molecular consequence: missense variant.
Genome position (GRCh38, 1-based): chr16:51,140,895, C>T on the plus strand (G>A on the coding strand, the complement: SALL1 is on the minus strand). VCF-style: chr16-51140895-C-T. GRCh37 (hg19) VCF-style: chr16-51174806-C-T.
Other names: c.1036G>A, p.Asp346Asn (NM_001127892.2); short protein forms D346N, D443N.
Identifiers: ClinVar variation 1245263 (VCV001245263.5), dbSNP rs374153597, ClinGen allele CA8053292.

ClinVar aggregate classification (germline): Conflicting classifications of pathogenicity. Review status: criteria provided, conflicting classifications (1 of 4 stars). 3 submissions from 3 submitters: Uncertain significance (1); Benign (1). 1 of the submissions does not count toward it. Last evaluated 2024-11-09.

Conditions:
Inborn genetic diseases. Identifiers: MedGen C0950123, MeSH D030342.
SALL1-related disorder. Also called: SALL1-related condition.

Allele frequency attached by ClinVar (database versions not stated): gnomAD exomes 0.00006; ExAC 0.00009; ESP Exome Variant Server 0.00015; 1000 Genomes Project 30x 0.00016; 1000 Genomes Project 0.00020; gnomAD 0.00021 and 0.00022; TOPMed 0.00022.
gnomAD v4.1: 72 of 1,614,186 alleles (0.0045%); highest among the groups gnomAD compares: African/African-American, 0.06%; no homozygotes.

Submissions (3):

Ambry Genetics
Classification: Uncertain significance for Inborn genetic diseases. Last evaluated: 2024-11-09. Review status: criteria provided, single submitter. Criteria: Ambry Variant Classification Scheme 2023. Collection method: clinical testing. Allele origin: germline.

GeneDx
Classification: Benign. Last evaluated: 2020-10-14. Review status: criteria provided, single submitter. Criteria: GeneDx Variant Classification Process June 2021. Collection method: clinical testing. Allele origin: germline. Affected: yes.

PreventionGenetics, part of Exact Sciences
Classification: Likely benign for SALL1-related condition. Last evaluated: 2023-02-03. Review status: no assertion criteria provided. Collection method: clinical testing. Allele origin: germline. Not counted in ClinVar's aggregate classification.
Comment: This variant is classified as likely benign based on ACMG/AMP sequence variant interpretation guidelines (Richards et al. 2015 PMID: 25741868, with internal and published modifications).